The following is an entry in ClinVar:

ClinVar aggregate classification (germline): Uncertain significance (1 of 4 stars; one submission).

Allele frequency attached by ClinVar (database versions not stated): gnomAD exomes below 0.00001.
gnomAD v4.1: 1 of 1,613,856 alleles (0.000062%); highest among the groups gnomAD compares: Non-Finnish European, 0.000085%; no homozygotes.

Submission:

Labcorp Genetics (formerly Invitae), Labcorp
Classification: Uncertain significance. Last evaluated: 2023-01-06. Review status: criteria provided, single submitter. Criteria: Invitae Variant Classification Sherloc (09022015). Collection method: clinical testing. Allele origin: germline.
Comment: In summary, the available evidence is currently insufficient to determine the role of this variant in disease. Therefore, it has been classified as a Variant of Uncertain Significance. Algorithms developed to predict the effect of missense changes on protein structure and function (SIFT, PolyPhen-2, Align-GVGD) all suggest that this variant is likely to be tolerated. This variant has not been reported in the literature in individuals affected with LYN-related conditions. This variant is not present in population databases (gnomAD no frequency). This sequence change replaces alanine, which is neutral and non-polar, with glycine, which is neutral and non-polar, at codon 450 of the LYN protein (p.Ala450Gly).

NM_002350.4(LYN):c.1349C>G (p.Ala450Gly)

Gene: LYN (LYN proto-oncogene, Src family tyrosine kinase; plus strand). Cytogenetic location: 8q12.1.
Variant type: single nucleotide variant.
Coding change: c.1349C>G on transcript NM_002350.4 (MANE Select); coding-DNA position 1349, C replaced by G.
Protein change: p.Ala450Gly; replaces alanine 450 with glycine.
Molecular consequence: missense variant.
Genome position (GRCh38, 1-based): chr8:56,009,920, C>G. VCF-style: chr8-56009920-C-G. GRCh37 (hg19) VCF-style: chr8-56922479-C-G.
Other names: c.1286C>G, p.Ala429Gly (NM_001111097.3); short protein forms A429G, A450G.
Identifiers: ClinVar variation 2826559 (VCV002826559.3), dbSNP rs2486899939, ClinGen allele CA371276264.
Genomic context (GRCh38, chr8:56,009,920, plus strand): 5'-TTTCTAAACGGCATGGGTTTCTGTTCTTTTTGTTTTTTTCCACCCTAGGGAGAACTAATG[C>G]CGACGTGATGACCGCCCTGTCCCAGGGCTACAGGATGCCCCGTGTGGAGAACTGCCCAGA-3'
Protein context (NP_002341.1, residues 440-460): GKIPYPGRTN[Ala450Gly]DVMTALSQGY